The following is an entry in ClinVar:

ClinVar aggregate classification (germline): Uncertain significance (1 of 4 stars; one submission).

Conditions:
Leigh syndrome (NULS). Also called: Leigh's necrotizing encephalopathy; Leigh's disease; Leigh Syndrome (mtDNA deletion); Leigh Disease; Subacute necrotizing encephalopathy; Necrotizing encephalopathy infantile subacute of Leigh. Identifiers: Orphanet 506, MedGen C2931891, MONDO:0009723, OMIM 256000.

Submission:

Wong Mito Lab, Molecular and Human Genetics, Baylor College of Medicine
Classification: Uncertain significance for Leigh syndrome. Last evaluated: 2019-10-17. Review status: criteria provided, single submitter. Criteria: Modified ACMG Guidelines (Unpublished). Collection method: clinical testing. Allele origin: germline.
Comment: The NC_012920.1:m.4153G>A (YP_003024026.1:p.Asp283Asn) variant in MTND1 gene is interpretated to be a Uncertain Significance variant based on the modified ACMG guidelines (unpublished). This variant meets the following evidence codes: PM8, PP4, PP6, PP7

NC_012920.1(MT-ND1):m.4153G>A

Gene: MT-ND1 (mitochondrially encoded NADH dehydrogenase 1; plus strand).
Variant type: single nucleotide variant.
Genome position: chrM-4153-G-A.
Identifiers: ClinVar variation 692429 (VCV000692429.1), dbSNP rs28566134, ClinGen allele CA337096809.